The following continues an entry in ClinVar:

NM_145239.3(PRRT2):c.649del (p.Arg217fs)

ClinVar aggregate classification (germline): Pathogenic/Likely pathogenic. Pathogenic (24); Likely pathogenic (4).

Submissions 11 to 25 of 33:

Victorian Clinical Genetics Services, Murdoch Childrens Research Institute
Classification: Pathogenic for PRRT2-associated paroxysmal movement disorder. Last evaluated: 2024-10-09. Review status: criteria provided, single submitter. Criteria: ACMG Guidelines, 2015. Collection method: clinical testing. Allele origin: germline. Inheritance: Autosomal dominant inheritance. Affected: yes.
Comment: Based on the classification scheme VCGS_Germline_v1.3.5, this variant is classified as Pathogenic. Following criteria are met: 0102 - Loss of function is a known mechanism of disease in this gene and is associated with PRRT2-associated paroxysmal movement disorder (MONDO:0100556). (I) 0107 - This gene is associated with autosomal dominant disease. (I) 0112 - The condition associated with this gene has incomplete penetrance (PMID:22744660). (I) 0115 - Variants in this gene are known to have variable expressivity. Variable expressivity has been reported in a family carrying this variant, clinical findings ranged from febrile convulsions, paroxysmal kinesigenic dyskinesia and benign infantile familial convulsions to a normal clinical picture (PMID: 24755245). (I) 0201 - Variant is predicted to cause nonsense-mediated decay (NMD) and loss of protein (premature termination codon is located at least 54 nucleotides upstream of the final exon-exon junction). (SP) 0251 - This variant is heterozygous. (I) 0310 - Variant is present in gnomAD (v4) >=0.001 and <0.01 for a dominant condition (2565 heterozygotes, 0 homozygotes). However, as this variant is in a GC-rich region and it is present in almost exclusively exome samples in gnomAD, this high frequency is likely due to a sequencing artefact. (I) 0701 - Other NMD variants comparable to the one identified in this case have very strong previous evidence for pathogenicity (ClinVar, DECIPHER). (SP) 0801 - This variant has strong previous evidence of pathogenicity in unrelated individuals with PRRT2-related disorders (ClinVar), and has been reported in individuals with a range of PRRT2-related features in the literature (PMID: 31722684, 24755245). (I) Legend: (SP) - Supporting pathogenic, (I) - Information, (SB) - Supporting benign

Equipe Genetique des Anomalies du Developpement, Université de Bourgogne
Classification: Pathogenic for Seizures, benign familial infantile, 2. Last evaluated: 2024-07-17. Review status: criteria provided, single submitter. Criteria: ACMG Guidelines, 2015. Collection method: clinical testing. Allele origin: paternal. Affected: yes.
Comment: This variant is a 1-bp deletion at position 649, predicted to result in a frameshift and premature stop codon after 12 aa. It likely results in an absent or disrupted protein product. It was reported as pathogenic or likely pathogenic several times in ClinVar. This variant was found in individuals with PRRT2-related benign familial infantile epilepsy (PMID 26598493, 29215089). Based on the evidence outlined above, the variant was classified as pathogenic.

Genomic Medicine Center of Excellence, King Faisal Specialist Hospital and Research Centre
Classification: Likely pathogenic for Episodic kinesigenic dyskinesia 1. Last evaluated: 2024-03-29. Review status: criteria provided, single submitter. Criteria: ACMG Guidelines, 2015. Collection method: clinical testing. Allele origin: germline.

Fulgent Genetics
Classification: Pathogenic for Episodic kinesigenic dyskinesia 1; Infantile convulsions and choreoathetosis; Seizures, benign familial infantile, 2. Last evaluated: 2024-01-29. Review status: criteria provided, single submitter. Criteria: ACMG Guidelines, 2015. Collection method: clinical testing. Allele origin: germline.

Athena Diagnostics
Classification: Pathogenic. Last evaluated: 2023-11-08. Review status: criteria provided, single submitter. Criteria: Athena Diagnostics Criteria. Collection method: clinical testing. Allele origin: unknown.
Comment: This variant is expected to result in the loss of a functional protein. The frequency of this variant in the general population appears higher than would generally be expected for pathogenic variants in this gene, however, the data have failed quality metrics and thus are not useful in evaluating the pathogenicity of this variant (Genome Aggregation Database (gnomAD), Cambridge, MA (URL)). This variant has not been reported in control populations composed of almost 2,000 samples and varying ethnicities, which is consistent with the pathogenicity of this variant (PMID: 22744660, 22870186, 22870186, 23551744, 24101679, 24370076, 24465263, 24609974, 25060993, 25522171, 26446061, 32651081, 35428900). This variant associates with various PRRT2-related disorders in multiple families, and is also reported to have reduced penetrance and variable expression between and within families (PMID: 24370076, 24755245, 36247910, 24101679, 25060993). This variant segregates with disease in multiple families. Assessment of experimental evidence suggests this variant results in abnormal protein function. (PMID 37793168)

Ambry Genetics
Classification: Pathogenic for Inborn genetic diseases. Last evaluated: 2023-04-18. Review status: criteria provided, single submitter. Criteria: Ambry Variant Classification Scheme 2023. Collection method: clinical testing. Allele origin: germline.
Comment: The c.649delC (p.R217Efs*12) alteration, located in exon 2 (coding exon 1) of the PRRT2 gene, consists of a deletion of one nucleotide at position 649, causing a translational frameshift with a predicted alternate stop codon after 12 amino acids. This alteration is expected to result in loss of function by premature protein truncation or nonsense-mediated mRNA decay. Based on data from gnomAD, this allele has an overall frequency of 0.001% (2/149480) total alleles studied. The highest observed frequency was 0.007% (1/15022) of Latino/Admixed American alleles. This alteration was reported in several individuals and families with variable phenotypes within the spectrum of PRRT2-related paroxysmal movement disorders (Riant, 2012; M&eacute;neret, 2012; Yang, 2013; He, 2014; Brueckner, 2014; Zeng, 2018). This alteration is found in about 4% of PRRT2-related benign familial infantile epilepsy cases (Ebrahimi-Fakhari, 2015). Based on the available evidence, this alteration is classified as pathogenic.

Clinical Genetics Laboratory, Skane University Hospital Lund
Classification: Pathogenic. Last evaluated: 2022-07-20. Review status: criteria provided, single submitter. Criteria: ACMG Guidelines, 2015. Collection method: clinical testing. Allele origin: germline. Affected: yes.

Department of Human Genetics, Hannover Medical School
Classification: Pathogenic for Episodic kinesigenic dyskinesia 1. Last evaluated: 2022-05-23. Review status: criteria provided, single submitter. Criteria: ACMG Guidelines, 2015. Collection method: clinical testing. Allele origin: germline. Inheritance: Autosomal dominant inheritance. Affected: yes.

Revvity Omics, Revvity
Classification: Pathogenic. Last evaluated: 2022-03-04. Review status: criteria provided, single submitter. Criteria: ACMG Guidelines, 2015. Collection method: clinical testing. Allele origin: germline.

GeneDx
Classification: Pathogenic. Last evaluated: 2020-02-01. Review status: criteria provided, single submitter. Criteria: GeneDx Variant Classification Process June 2021. Collection method: clinical testing. Allele origin: germline. Affected: yes.
Comment: Common pathogenic variant that accounts for approximately 4% of all pathogenic variants in the PRRT2 gene (Ebrahimi-Fakhari et al., 2015); Reported previously in unrelated individuals with PRRT2-related disorders (Meneret et al., 2012; Yang et al., 2013; Ebrahimi-Fakhari et al., 2015); Published functional studies in transfected HEK cells demonstrate a damaging effect as this variant results in a protein that fails to target to the cell membrane (Liu et al., 2016); Frameshift variant predicted to result in protein truncation or nonsense mediated decay in a gene for which loss-of-function is a known mechanism of disease; This variant is associated with the following publications: (PMID: 25522171, 22870186, 23077016, 26446061, 24755245, 23551744, 25060993, 24609974, 24101679, 22752065, 23165339, 24465263, 25502464, 23363396, 24370076, 25449067, 28906077, 26598493, 29655203, 31487502, 31901402, 31902651, 32369273, 27172900, 34012299, 32651081, 22744660)

Mendelics
Classification: Likely pathogenic for Episodic kinesigenic dyskinesia 1. Last evaluated: 2019-05-28. Review status: criteria provided, single submitter. Criteria: Mendelics Assertion Criteria 2017. Collection method: clinical testing. Allele origin: unknown.

Baylor Genetics
Classification: Pathogenic for Episodic kinesigenic dyskinesia 1. Last evaluated: 2018-11-08. Review status: criteria provided, single submitter. Criteria: ACMG Guidelines, 2015. Collection method: clinical testing. Allele origin: maternal. Affected: yes.
Comment: This variant was determined to be pathogenic according to ACMG Guidelines, 2015 [PMID:25741868]. This variant has been previously reported as disease-causing in multiple individuals [PMID 22744660, 24755245, 25522171, 28906077, 27172900, 24370076, 25449067]

Eurofins Ntd Llc (ga)
Classification: Pathogenic. Last evaluated: 2017-05-22. Review status: criteria provided, single submitter. Criteria: EGL Classification Definitions 2015. Collection method: clinical testing. Allele origin: germline. Observed: 1 variant allele, 1 heterozygote.

Clinical Genetics Service, Universitary Hospital 12 de Octubre
Classification: Pathogenic for Seizures, benign familial infantile, 2. Review status: criteria provided, single submitter. Criteria: ACMG Guidelines, 2015. Collection method: clinical testing. Allele origin: maternal. Affected: yes.

Juno Genomics, Hangzhou Juno Genomics, Inc
Classification: Pathogenic for Infantile convulsions and choreoathetosis; Episodic kinesigenic dyskinesia 1; Seizures, benign familial infantile, 2. Review status: criteria provided, single submitter. Criteria: ACMG Guidelines, 2015. Collection method: clinical testing. Allele origin: germline. Affected: yes.
Comment: Null variant in a gene where loss of function (LOF) is a known mechanism of disease.;The prevalence of the variant in affected individuals is significantly increased compared to the prevalence in controls.